The following is an entry in ClinVar:

ClinVar aggregate classification (germline): Likely benign (1 of 4 stars; one submission).

Conditions:
TBX1-related disorder. Also called: TBX1-Related Disorders; TBX1-related condition.

Submission:

PreventionGenetics, part of Exact Sciences
Classification: Likely benign for TBX1-related condition. Last evaluated: 2025-06-11. Review status: criteria provided, single submitter. Criteria: ACMG Guidelines, 2015. Collection method: clinical testing. Allele origin: germline.
Comment: This variant is classified as likely benign based on ACMG/AMP sequence variant interpretation guidelines (Richards et al. 2015 PMID: 25741868, with internal and published modifications).

NM_001379200.1(TBX1):c.183G>C (p.Pro61=)

Gene: TBX1 (T-box transcription factor 1; plus strand). Cytogenetic location: 22q11.21.
Variant type: single nucleotide variant.
Coding change: c.183G>C on transcript NM_001379200.1 (MANE Select); coding-DNA position 183, G replaced by C.
Protein change: p.Pro61=; no amino-acid change (proline 61 retained).
Molecular consequence: synonymous variant.
Genome position (GRCh38, 1-based): chr22:19,761,026, G>C. VCF-style: chr22-19761026-G-C. GRCh37 (hg19) VCF-style: chr22-19748549-G-C.
Other names: c.156G>C, p.Pro52= (NM_005992.1, NM_080646.2, NM_080647.1).
Identifiers: ClinVar variation 4998331 (VCV004998331.1).